The following is an entry in ClinVar:

ClinVar aggregate classification (germline): Uncertain significance (1 of 4 stars; one submission).

Conditions:
Intellectual developmental disorder, X-linked 1. Also called: Atkin Flaitz Patil Smith syndrome; MENTAL RETARDATION, X-LINKED 18; MENTAL RETARDATION, X-LINKED 78; Intellectual disability, X-linked 1. Identifiers: Orphanet 777, MedGen C2931498, MONDO:0010656, OMIM 309530.

Submission:

Labcorp Genetics (formerly Invitae), Labcorp
Classification: Uncertain significance for Intellectual developmental disorder, X-linked 1. Last evaluated: 2024-12-30. Review status: criteria provided, single submitter. Criteria: Invitae Variant Classification Sherloc (09022015). Collection method: clinical testing. Allele origin: germline.
Comment: This sequence change replaces histidine, which is basic and polar, with glutamine, which is neutral and polar, at codon 161 of the IQSEC2 protein (p.His161Gln). This variant is not present in population databases (gnomAD no frequency). This variant has not been reported in the literature in individuals affected with IQSEC2-related conditions. Invitae Evidence Modeling of protein sequence and biophysical properties (such as structural, functional, and spatial information, amino acid conservation, physicochemical variation, residue mobility, and thermodynamic stability) indicates that this missense variant is not expected to disrupt IQSEC2 protein function with a negative predictive value of 95%. In summary, the available evidence is currently insufficient to determine the role of this variant in disease. Therefore, it has been classified as a Variant of Uncertain Significance.

NM_001111125.3(IQSEC2):c.483C>G (p.His161Gln)

Gene: IQSEC2 (IQ motif and Sec7 domain ArfGEF 2; minus strand). Cytogenetic location: Xp11.22.
Variant type: single nucleotide variant.
Coding change: c.483C>G on transcript NM_001111125.3 (MANE Select); coding-DNA position 483, C replaced by G.
Protein change: p.His161Gln; replaces histidine 161 with glutamine.
Molecular consequence: missense variant.
Genome position (GRCh38, 1-based): chrX:53,320,641, G>C on the plus strand (C>G on the coding strand, the complement: IQSEC2 is on the minus strand). VCF-style: chrX-53320641-G-C. GRCh37 (hg19) VCF-style: chrX-53349839-G-C.
Other names: c.483C>G, p.His161Gln (NM_001410736.1); short protein forms H161Q.
Identifiers: ClinVar variation 3634912 (VCV003634912.2).